The following is an entry in ClinVar:

ClinVar aggregate classification (germline): Uncertain significance. Review status: criteria provided, multiple submitters, no conflicts (2 of 4 stars). 4 submissions from 4 submitters: Uncertain significance (4). Last evaluated 2025-08-20.

Conditions:
Charcot-Marie-Tooth disease type 4. Also called: Charcot-Marie-Tooth disease, type IV; Charcot-Marie-Tooth, Type 4. Identifiers: Orphanet 64749, MedGen C4082197, MONDO:0018995.
Inborn genetic diseases. Identifiers: MedGen C0950123, MeSH D030342.

Submissions (4):

Ambry Genetics
Classification: Uncertain significance for Inborn genetic diseases. Last evaluated: 2025-08-20. Review status: criteria provided, single submitter. Criteria: Ambry Variant Classification Scheme 2023. Collection method: clinical testing. Allele origin: germline.

GeneDx
Classification: Uncertain significance. Last evaluated: 2025-05-14. Review status: criteria provided, single submitter. Criteria: GeneDx Variant Classification Process June 2021. Collection method: clinical testing. Allele origin: germline. Affected: yes.
Comment: Not observed at significant frequency in large population cohorts (gnomAD); In silico analysis supports that this missense variant has a deleterious effect on protein structure/function; Has not been previously published as pathogenic or benign to our knowledge; This variant is associated with the following publications: (PMID: 22734899)

Labcorp Genetics (formerly Invitae), Labcorp
Classification: Uncertain significance for Charcot-Marie-Tooth disease type 4. Last evaluated: 2021-11-30. Review status: criteria provided, single submitter. Criteria: Invitae Variant Classification Sherloc (09022015). Collection method: clinical testing. Allele origin: germline.
Comment: In summary, the available evidence is currently insufficient to determine the role of this variant in disease. Therefore, it has been classified as a Variant of Uncertain Significance. Algorithms developed to predict the effect of sequence changes on RNA splicing suggest that this variant may create or strengthen a splice site. Algorithms developed to predict the effect of missense changes on protein structure and function are either unavailable or do not agree on the potential impact of this missense change (SIFT: "Deleterious"; PolyPhen-2: "Benign"; Align-GVGD: "Class C0"). ClinVar contains an entry for this variant (Variation ID: 573001). This variant has not been reported in the literature in individuals affected with FGD4-related conditions. This variant is present in population databases (rs200732890, gnomAD 0.003%). This sequence change replaces threonine, which is neutral and polar, with arginine, which is basic and polar, at codon 125 of the FGD4 protein (p.Thr125Arg).

Breakthrough Genomics
Classification: Uncertain significance. Review status: criteria provided, single submitter. Criteria: ACMG Guidelines, 2015. Collection method: not provided. Allele origin: germline. Inheritance: Autosomal recessive inheritance. Affected: yes.

NM_001370298.3(FGD4):c.785C>G (p.Thr262Arg)

Gene: FGD4 (FYVE, RhoGEF and PH domain containing 4; plus strand). Cytogenetic location: 12p11.21.
Variant type: single nucleotide variant.
Coding change: c.785C>G on transcript NM_001370298.3 (MANE Select); coding-DNA position 785, C replaced by G.
Protein change: p.Thr262Arg; replaces threonine 262 with arginine.
Molecular consequence: missense variant. On other transcripts: 5 prime UTR variant (2), non-coding transcript variant (1), intron variant (1).
Genome position (GRCh38, 1-based): chr12:32,582,241, C>G. VCF-style: chr12-32582241-C-G. GRCh37 (hg19) VCF-style: chr12-32735175-C-G.
Other names: c.629C>G, p.Thr210Arg (NM_001304481.2); c.-471C>G (NM_001304483.2); c.-778C>G (NM_001304484.2); c.95C>G, p.Thr32Arg (NM_001330373.2, NM_001330374.2, NM_001384130.1); c.785C>G, p.Thr262Arg (NM_001384126.1); c.374C>G, p.Thr125Arg (NM_001384127.1, NM_001384128.1, NM_001384131.1 and 3 more transcripts); c.49-16256C>G (NM_001370297.1); c.374C>G (NM_139241.2); short protein forms T125R, T210R, T32R, T262R.
Identifiers: ClinVar variation 573001 (VCV000573001.9), dbSNP rs200732890, ClinGen allele CA6506620.
Genomic context (GRCh38, chr12:32,582,241, plus strand): 5'-AGAAAGCTGCCACTCTTAGCTCAGATACTTCTATTCAAGCTTCTGAACCCTTGCTTGATA[C>G]GCACATAGTGAATGGAGAAAGAGATGAAACTGCCACAGCTCCTGCATCACCCACAACAGA-3'
Protein context (NP_001357227.2, residues 252-272): SIQASEPLLD[Thr262Arg]HIVNGERDET